The following is an entry in ClinVar:

NM_017739.4(POMGNT1):c.1569C>T (p.Asn523=)

Genes: POMGNT1 (protein O-linked mannose N-acetylglucosaminyltransferase 1 (beta 1,2-); minus strand), TSPAN1 (tetraspanin 1; plus strand). Cytogenetic location: 1p34.1.
Variant type: single nucleotide variant.
Coding change: c.1569C>T on transcript NM_017739.4 (MANE Select); coding-DNA position 1569, C replaced by T.
Protein change: p.Asn523=; no amino-acid change (asparagine 523 retained).
Molecular consequence: synonymous variant.
Genome position (GRCh38, 1-based): chr1:46,190,755, G>A on the plus strand (C>T on the coding strand, the complement: POMGNT1 is on the minus strand). VCF-style: chr1-46190755-G-A. GRCh37 (hg19) VCF-style: chr1-46656427-G-A.
Other names: c.1569C>T, p.Asn523= (NM_001243766.2, NM_001410783.1); c.1503C>T, p.Asn501= (NM_001290129.3); c.1140C>T, p.Asn380= (NM_001290130.2).
Identifiers: ClinVar variation 390678 (VCV000390678.1), dbSNP rs1057523859, ClinGen allele CA16603656.
Genomic context (GRCh38, chr1:46,190,755, plus strand): 5'-CCCTTGCCCTGCTGCCAGCCCCAACCTGTCCACATTCCTGAGCTGGACACCTGGAACCGT[G>A]TTGAACTTGTGCTTCTTGAAGTAGGCCTCCTGGAGTGGGTATGAGAGTGAAAATCAGCAC-3'
Protein context (NP_060209.4, residues 513-533): HEAYFKKHKF[Asn523=]TVPGVQLRNV

ClinVar aggregate classification (germline): Likely benign (1 of 4 stars; one submission).

Allele frequency attached by ClinVar (database versions not stated): gnomAD exomes below 0.00001.
gnomAD v4.1: 1 of 1,613,944 alleles (0.000062%); highest among the groups gnomAD compares: Non-Finnish European, 0.000085%; no homozygotes.

Submission:

GeneDx
Classification: Likely benign. Last evaluated: 2016-11-10. Review status: criteria provided, single submitter. Criteria: GeneDx Variant Classification (06012015). Collection method: clinical testing. Allele origin: germline. Affected: yes.
Comment: This variant is considered likely benign or benign based on one or more of the following criteria: it is a conservative change, it occurs at a poorly conserved position in the protein, it is predicted to be benign by multiple in silico algorithms, and/or has population frequency not consistent with disease.